The following is an entry in ClinVar:

ClinVar aggregate classification (germline): Likely benign (1 of 4 stars; one submission).

Allele frequency attached by ClinVar (database versions not stated): gnomAD exomes 0.00021; ExAC 0.00052; 1000 Genomes Project 30x 0.00156; 1000 Genomes Project 0.00160; ESP Exome Variant Server 0.00163; gnomAD 0.00169; TOPMed 0.00199.
gnomAD v4.1: 570 of 1,611,852 alleles (0.035%); highest among the groups gnomAD compares: African/African-American, 0.62%; 4 homozygotes.

Submission:

CeGaT Center for Human Genetics Tuebingen
Classification: Likely benign. Last evaluated: 2022-09-01. Review status: criteria provided, single submitter. Criteria: CeGaT Center For Human Genetics Tuebingen Variant Classification Criteria Version 2. Collection method: clinical testing. Allele origin: germline. Affected: yes. Observed: 1 variant allele.
Comment: TJP3: BP4, BP7

NM_001267560.2(TJP3):c.534C>T (p.Ser178=)

Gene: TJP3 (tight junction protein 3; plus strand). Cytogenetic location: 19p13.3.
Variant type: single nucleotide variant.
Coding change: c.534C>T on transcript NM_001267560.2 (MANE Select); coding-DNA position 534, C replaced by T.
Protein change: p.Ser178=; no amino-acid change (serine 178 retained).
Molecular consequence: synonymous variant.
Genome position (GRCh38, 1-based): chr19:3,730,627, C>T. VCF-style: chr19-3730627-C-T. GRCh37 (hg19) VCF-style: chr19-3730625-C-T.
Other names: c.561C>T, p.Ser187= (NM_001267561.2).
Identifiers: ClinVar variation 2649007 (VCV002649007.24), dbSNP rs151121292, ClinGen allele CA9083101.